The following is an entry in ClinVar:

ClinVar aggregate classification (germline): Uncertain significance (1 of 4 stars; one submission).

Allele frequency attached by ClinVar (database versions not stated): gnomAD exomes below 0.00001.
gnomAD v4.1: 1 of 1,612,380 alleles (0.000062%); highest among the groups gnomAD compares: Admixed American, 0.0017%; no homozygotes.

Submission:

Labcorp Genetics (formerly Invitae), Labcorp
Classification: Uncertain significance. Last evaluated: 2022-06-15. Review status: criteria provided, single submitter. Criteria: Invitae Variant Classification Sherloc (09022015). Collection method: clinical testing. Allele origin: germline.
Comment: In summary, the available evidence is currently insufficient to determine the role of this variant in disease. Therefore, it has been classified as a Variant of Uncertain Significance. Algorithms developed to predict the effect of sequence changes on RNA splicing suggest that this variant may disrupt the consensus splice site. This variant has not been reported in the literature in individuals affected with LETM1-related conditions. This variant is present in population databases (no rsID available, gnomAD 0.003%). This sequence change affects codon 196 of the LETM1 mRNA. It is a 'silent' change, meaning that it does not change the encoded amino acid sequence of the LETM1 protein.

NM_012318.3(LETM1):c.588C>T (p.Arg196=)

Gene: LETM1 (leucine zipper and EF-hand containing transmembrane protein 1; minus strand). Cytogenetic location: 4p16.3.
Variant type: single nucleotide variant.
Coding change: c.588C>T on transcript NM_012318.3 (MANE Select); coding-DNA position 588, C replaced by T.
Protein change: p.Arg196=; no amino-acid change (arginine 196 retained).
Molecular consequence: synonymous variant.
Genome position (GRCh38, 1-based): chr4:1,841,353, G>A on the plus strand (C>T on the coding strand, the complement: LETM1 is on the minus strand). VCF-style: chr4-1841353-G-A. GRCh37 (hg19) VCF-style: chr4-1843080-G-A.
Identifiers: ClinVar variation 2096084 (VCV002096084.4), dbSNP rs1188778444, ClinGen allele CA438063405.